The following is an entry in ClinVar:

ClinVar aggregate classification (germline): Uncertain significance (1 of 4 stars; one submission).

Allele frequency attached by ClinVar (database versions not stated): gnomAD exomes below 0.00001; ExAC 0.00002.
gnomAD v4.1: 3 of 1,614,168 alleles (0.00019%); highest among the groups gnomAD compares: South Asian, 0.0022%; no homozygotes.

Submission:

Labcorp Genetics (formerly Invitae), Labcorp
Classification: Uncertain significance. Last evaluated: 2024-05-07. Review status: criteria provided, single submitter. Criteria: Invitae Variant Classification Sherloc (09022015). Collection method: clinical testing. Allele origin: germline.
Comment: This sequence change replaces serine, which is neutral and polar, with threonine, which is neutral and polar, at codon 453 of the KCNQ5 protein (p.Ser453Thr). This variant is present in population databases (rs776146341, gnomAD 0.006%). This variant has not been reported in the literature in individuals affected with KCNQ5-related conditions. Advanced modeling of protein sequence and biophysical properties (such as structural, functional, and spatial information, amino acid conservation, physicochemical variation, residue mobility, and thermodynamic stability) performed at Invitae indicates that this missense variant is not expected to disrupt KCNQ5 protein function with a negative predictive value of 80%. In summary, the available evidence is currently insufficient to determine the role of this variant in disease. Therefore, it has been classified as a Variant of Uncertain Significance.

NM_019842.4(KCNQ5):c.1301G>C (p.Ser434Thr)

Gene: KCNQ5 (potassium voltage-gated channel subfamily Q member 5; plus strand). Cytogenetic location: 6q13.
Variant type: single nucleotide variant.
Coding change: c.1301G>C on transcript NM_019842.4 (MANE Select); coding-DNA position 1301, G replaced by C.
Protein change: p.Ser434Thr; replaces serine 434 with threonine.
Molecular consequence: missense variant. On other transcripts: intron variant (1).
Genome position (GRCh38, 1-based): chr6:73,133,474, G>C. VCF-style: chr6-73133474-G-C. GRCh37 (hg19) VCF-style: chr6-73843197-G-C.
Other names: c.1274G>C, p.Ser425Thr (NM_001160130.2); c.1331G>C, p.Ser444Thr (NM_001160132.2); c.1358G>C, p.Ser453Thr (NM_001160133.2); c.1247+8962G>C (NM_001160134.2); short protein forms S453T, S425T, S434T, S444T.
Identifiers: ClinVar variation 2991080 (VCV002991080.3), dbSNP rs776146341, ClinGen allele CA3887018.